The following is an entry in ClinVar:

NM_000891.3(KCNJ2):c.286T>C (p.Trp96Arg)

Gene: KCNJ2 (potassium inwardly rectifying channel subfamily J member 2; plus strand). Cytogenetic location: 17q24.3.
Variant type: single nucleotide variant.
Coding change: c.286T>C on transcript NM_000891.3 (MANE Select); coding-DNA position 286, T replaced by C.
Protein change: p.Trp96Arg; replaces tryptophan 96 with arginine.
Molecular consequence: missense variant.
Genome position (GRCh38, 1-based): chr17:70,175,325, T>C. VCF-style: chr17-70175325-T-C. GRCh37 (hg19) VCF-style: chr17-68171466-T-C.
Other names: short protein forms W96R.
Identifiers: ClinVar variation 3363313 (VCV003363313.1).

ClinVar aggregate classification (germline): Uncertain significance (1 of 4 stars; one submission).

Submission:

GeneDx
Classification: Uncertain significance. Last evaluated: 2023-10-19. Review status: criteria provided, single submitter. Criteria: GeneDx Variant Classification Process June 2021. Collection method: clinical testing. Allele origin: germline. Affected: yes.
Comment: Not observed at significant frequency in large population cohorts (gnomAD); In silico analysis supports that this missense variant has a deleterious effect on protein structure/function; Has not been previously published as pathogenic or benign to our knowledge